The following is an entry in ClinVar:

ClinVar aggregate classification (germline): Benign/Likely benign. Review status: criteria provided, multiple submitters, no conflicts (2 of 4 stars). 3 submissions from 3 submitters: Benign (1); Likely benign (2). Last evaluated 2025-07-14.

Conditions:
Hereditary cancer-predisposing syndrome. Also called: Tumor predisposition; Neoplastic Syndromes, Hereditary; Hereditary Cancer Syndrome; Hereditary neoplastic syndrome. Identifiers: Orphanet 140162, MedGen C0027672, MeSH D009386, MONDO:0015356.
Lung cancer. Also called: Lung cancer, somatic; Malignant tumor of lung. Identifiers: MedGen C0242379, MONDO:0008903, OMIM 211980.
EGFR-related lung cancer (EGFR). Identifiers: MedGen CN130014.

Submissions (3):

Ambry Genetics
Classification: Likely benign for Hereditary cancer-predisposing syndrome. Last evaluated: 2025-07-14. Review status: criteria provided, single submitter. Criteria: Ambry Variant Classification Scheme 2023. Collection method: clinical testing. Allele origin: germline.

Myriad Genetics, Inc.
Classification: Benign for Lung cancer. Last evaluated: 2024-10-16. Review status: criteria provided, single submitter. Criteria: Myriad Autosomal Dominant, Autosomal Recessive and X-Linked Classification Criteria (2023). Collection method: clinical testing. Allele origin: unknown.
Comment: This variant is considered benign. This variant is a silent/synonymous amino acid change and it is not expected to impact splicing.

Labcorp Genetics (formerly Invitae), Labcorp
Classification: Likely benign for EGFR-related lung cancer. Last evaluated: 2023-03-09. Review status: criteria provided, single submitter. Criteria: Invitae Variant Classification Sherloc (09022015). Collection method: clinical testing. Allele origin: germline.

NM_005228.5(EGFR):c.2280C>G (p.Leu760=)

Gene: EGFR (epidermal growth factor receptor; plus strand). Cytogenetic location: 7p11.2.
Variant type: single nucleotide variant.
Coding change: c.2280C>G on transcript NM_005228.5 (MANE Select); coding-DNA position 2280, C replaced by G.
Protein change: p.Leu760=; no amino-acid change (leucine 760 retained).
Molecular consequence: synonymous variant.
Genome position (GRCh38, 1-based): chr7:55,174,817, C>G. VCF-style: chr7-55174817-C-G. GRCh37 (hg19) VCF-style: chr7-55242510-C-G.
Other names: c.2145C>G, p.Leu715= (NM_001346897.2, NM_001346899.2); c.2280C>G, p.Leu760= (NM_001346898.2); c.2121C>G, p.Leu707= (NM_001346900.2); c.1479C>G, p.Leu493= (NM_001346941.2).
Identifiers: ClinVar variation 2840077 (VCV002840077.5), dbSNP rs397517103, ClinGen allele CA454979670.